The following is an entry in ClinVar:

ClinVar aggregate classification (germline): Uncertain significance. Review status: criteria provided, multiple submitters, no conflicts (2 of 4 stars). 2 submissions from 2 submitters: Uncertain significance (2). Last evaluated 2025-04-17.

Conditions:
Bone mineral density quantitative trait locus 1 (BMND1). Identifiers: MedGen C1866079, OMIM 601884.
Worth disease. Also called: ENDOSTEAL HYPEROSTOSIS, AUTOSOMAL DOMINANT; OSTEOSCLEROSIS, AUTOSOMAL DOMINANT; Autosomal dominant osteosclerosis, Worth type. Identifiers: Orphanet 2790, MedGen C0432273, MONDO:0007764, OMIM 144750.
Exudative vitreoretinopathy 4 (EVR4). Identifiers: Orphanet 891, MedGen C1866176, MONDO:0011151, OMIM 601813.
Osteoporosis. Identifiers: MedGen C0029456, MONDO:0005298, OMIM 166710, HP:0000939.
Polycystic liver disease 4 with or without kidney cysts. Identifiers: MedGen C4693479, MONDO:0044327, OMIM 617875.
Exudative vitreoretinopathy 1 (EVR1). Also called: CRISWICK-SCHEPENS SYNDROME; FEVR, AUTOSOMAL DOMINANT; Familial exudative vitreoretinopathy, autosomal dominant. Identifiers: Orphanet 891, Orphanet 90050, MedGen C1851402, MONDO:0007589, OMIM 133780.
Autosomal dominant osteopetrosis 1 (OPTA1). Also called: OSTEOPETROSIS, AUTOSOMAL DOMINANT, TYPE I. Identifiers: Orphanet 2783, MedGen C1843330, MONDO:0011877, OMIM 607634.
Osteoporosis with pseudoglioma (OPPG). Also called: osteoporosis-pseudoglioma syndrome. Identifiers: Orphanet 2788, MedGen C0432252, MONDO:0009820, OMIM 259770.

Allele frequency attached by ClinVar (database versions not stated): gnomAD 0.00001; gnomAD exomes 0.00001; TOPMed 0.00001; ExAC 0.00002; ESP Exome Variant Server 0.00008.
gnomAD v4.1: 10 of 1,608,110 alleles (0.00062%); highest among the groups gnomAD compares: Non-Finnish European, 0.00085%; no homozygotes.

Submissions (2):

Labcorp Genetics (formerly Invitae), Labcorp
Classification: Uncertain significance. Last evaluated: 2025-04-17. Review status: criteria provided, single submitter. Criteria: Invitae Variant Classification Sherloc (09022015). Collection method: clinical testing. Allele origin: germline.
Comment: This sequence change replaces alanine, which is neutral and non-polar, with threonine, which is neutral and polar, at codon 1537 of the LRP5 protein (p.Ala1537Thr). This variant is present in population databases (rs144376510, gnomAD 0.002%). This missense change has been observed in individual(s) with idiopathic osteoporosis (PMID: 16234968). ClinVar contains an entry for this variant (Variation ID: 1002995). Invitae Evidence Modeling of protein sequence and biophysical properties (such as structural, functional, and spatial information, amino acid conservation, physicochemical variation, residue mobility, and thermodynamic stability) indicates that this missense variant is not expected to disrupt LRP5 protein function with a negative predictive value of 95%. Experimental studies are conflicting or provide insufficient evidence to determine the effect of this variant on LRP5 function (PMID: 16234968). In summary, the available evidence is currently insufficient to determine the role of this variant in disease. Therefore, it has been classified as a Variant of Uncertain Significance.

Fulgent Genetics
Classification: Uncertain significance for Exudative vitreoretinopathy 1; Worth disease; Osteoporosis; Osteoporosis with pseudoglioma; Exudative vitreoretinopathy 4; Bone mineral density quantitative trait locus 1; Autosomal dominant osteopetrosis 1; Polycystic liver disease 4 with or without kidney cysts. Last evaluated: 2022-03-10. Review status: criteria provided, single submitter. Criteria: ACMG Guidelines, 2015. Collection method: clinical testing. Allele origin: unknown.

Literature cited by the submitters: PubMed 16234968 (cited by Labcorp Genetics (formerly Invitae), Labcorp).

NM_002335.4(LRP5):c.4609G>A (p.Ala1537Thr)

Gene: LRP5 (LDL receptor related protein 5; plus strand). Cytogenetic location: 11q13.2.
Variant type: single nucleotide variant.
Coding change: c.4609G>A on transcript NM_002335.4 (MANE Select); coding-DNA position 4609, G replaced by A.
Protein change: p.Ala1537Thr; replaces alanine 1537 with threonine.
Molecular consequence: missense variant.
Genome position (GRCh38, 1-based): chr11:68,448,831, G>A. VCF-style: chr11-68448831-G-A. GRCh37 (hg19) VCF-style: chr11-68216299-G-A.
Other names: c.2866G>A, p.Ala956Thr (NM_001291902.2); short protein forms A1537T, A956T.
Identifiers: ClinVar variation 1002995 (VCV001002995.10), dbSNP rs144376510, ClinGen allele CA6150462.